The following is an entry in ClinVar:

ClinVar aggregate classification (germline): Uncertain significance. Review status: criteria provided, multiple submitters, no conflicts (2 of 4 stars). 4 submissions from 4 submitters: Uncertain significance (4). Last evaluated 2025-10-16.

Conditions:
Maturity-onset diabetes of the young type 6 (MODY6). Identifiers: Orphanet 552, MedGen C1853371, MONDO:0011668, OMIM 606394.
Type 2 diabetes mellitus. Also called: Type II diabetes mellitus. Identifiers: MedGen C0011860, MeSH D003924, MONDO:0005148, OMIM 125853, HP:0005978.

Allele frequency attached by ClinVar (database versions not stated): gnomAD 0.00007 and 0.00008; gnomAD exomes 0.00009; TOPMed 0.00009; ExAC 0.00012.
gnomAD v4.1: 248 of 1,613,962 alleles (0.015%); highest among the groups gnomAD compares: Non-Finnish European, 0.02%; no homozygotes.

Submissions (4):

Labcorp Genetics (formerly Invitae), Labcorp
Classification: Uncertain significance. Last evaluated: 2025-10-16. Review status: criteria provided, single submitter. Criteria: Invitae Variant Classification Sherloc (09022015). Collection method: clinical testing. Allele origin: germline.
Comment: This sequence change replaces valine, which is neutral and non-polar, with isoleucine, which is neutral and non-polar, at codon 216 of the NEUROD1 protein (p.Val216Ile). This variant is present in population databases (rs755299574, gnomAD 0.02%). This variant has not been reported in the literature in individuals affected with NEUROD1-related conditions. ClinVar contains an entry for this variant (Variation ID: 333038). Invitae Evidence Modeling of protein sequence and biophysical properties (such as structural, functional, and spatial information, amino acid conservation, physicochemical variation, residue mobility, and thermodynamic stability) indicates that this missense variant is not expected to disrupt NEUROD1 protein function with a negative predictive value of 80%. In summary, the available evidence is currently insufficient to determine the role of this variant in disease. Therefore, it has been classified as a Variant of Uncertain Significance.

Blueprint Genetics
Classification: Uncertain significance. Last evaluated: 2024-09-11. Review status: criteria provided, single submitter. Criteria: ACMG Guidelines, 2015. Collection method: clinical testing. Allele origin: germline.

Fulgent Genetics
Classification: Uncertain significance for Type 2 diabetes mellitus; Maturity-onset diabetes of the young type 6. Last evaluated: 2024-03-22. Review status: criteria provided, single submitter. Criteria: ACMG Guidelines, 2015. Collection method: clinical testing. Allele origin: germline.

Illumina Laboratory Services, Illumina
Classification: Uncertain significance for Maturity-onset diabetes of the young type 6. Last evaluated: 2018-01-13. Review status: criteria provided, single submitter. Criteria: ICSL Variant Classification Criteria 13 December 2019. Collection method: clinical testing. Allele origin: germline.

NM_002500.5(NEUROD1):c.646G>A (p.Val216Ile)

Gene: NEUROD1 (neuronal differentiation 1; minus strand). Cytogenetic location: 2q31.3.
Variant type: single nucleotide variant.
Coding change: c.646G>A on transcript NM_002500.5 (MANE Select); coding-DNA position 646, G replaced by A.
Protein change: p.Val216Ile; replaces valine 216 with isoleucine.
Molecular consequence: missense variant.
Genome position (GRCh38, 1-based): chr2:181,678,215, C>T on the plus strand (G>A on the coding strand, the complement: NEUROD1 is on the minus strand). VCF-style: chr2-181678215-C-T. GRCh37 (hg19) VCF-style: chr2-182542942-C-T.
Other names: short protein forms V216I.
Identifiers: ClinVar variation 333038 (VCV000333038.15), dbSNP rs755299574, ClinGen allele CA2011090.
Genomic context (GRCh38, chr2:181,678,215, plus strand): 5'-TGTCCATGGTACCGTAAGGCGGACTGGGCAGCCCAGGCGACTGGTAGGAGTAGGGGTGTA[C>T]AGGGAAGGAAGCGCTGGCCGTCGGCAGGTGGGGGGGCATGTCCTGGTTCTGCTCAGGCAG-3'
Protein context (NP_002491.3, residues 206-226): HLPTASASFP[Val216Ile]HPYSYQSPGL